The following is an entry in ClinVar:

NM_001009944.3(PKD1):c.665C>A (p.Ala222Glu)

Gene: PKD1 (polycystin 1, transient receptor potential channel interacting; minus strand). Cytogenetic location: 16p13.3.
Variant type: single nucleotide variant.
Coding change: c.665C>A on transcript NM_001009944.3 (MANE Select); coding-DNA position 665, C replaced by A.
Protein change: p.Ala222Glu; replaces alanine 222 with glutamic acid.
Molecular consequence: missense variant.
Genome position (GRCh38, 1-based): chr16:2,118,327, G>T on the plus strand (C>A on the coding strand, the complement: PKD1 is on the minus strand). VCF-style: chr16-2118327-G-T. GRCh37 (hg19) VCF-style: chr16-2168328-G-T.
Other names: c.665C>A, p.Ala222Glu (NM_000296.4); c.665C>A (NM_001009944.2); short protein forms A222E.
Identifiers: ClinVar variation 618291 (VCV000618291.11), dbSNP rs1567218284, ClinGen allele CA394394656.

ClinVar aggregate classification (germline): Uncertain significance. Review status: criteria provided, multiple submitters, no conflicts (2 of 4 stars). 3 submissions from 3 submitters: Uncertain significance (3). Last evaluated 2026-09-25.

Conditions:
Polycystic kidney disease, adult type (PKD1). Also called: Polycystic Kidney Disease 1, Autosomal Dominant; Polycystic kidney disease 1; Polycystic kidney disease 1, severe; Polycystic Kidney, Autosomal Dominant; POLYCYSTIC KIDNEY DISEASE 1 WITH OR WITHOUT POLYCYSTIC LIVER DISEASE; POLYCYSTIC KIDNEY DISEASE, ADULT, TYPE I. Identifiers: MedGen C3149841, MONDO:0008263, OMIM 173900.

Submissions (3):

GeneDx
Classification: Uncertain significance. Last evaluated: 2026-09-25. Review status: criteria provided, single submitter. Criteria: GeneDx Variant Classification Process June 2021. Collection method: clinical testing. Allele origin: germline.
Comment: Not observed at significant frequency in large population cohorts (gnomAD); In silico analysis suggests that this missense variant does not alter protein structure/function; This variant is associated with the following publications: (PMID: 40760778)

Fulgent Genetics
Classification: Uncertain significance for Polycystic kidney disease, adult type. Last evaluated: 2022-02-04. Review status: criteria provided, single submitter. Criteria: ACMG Guidelines, 2015. Collection method: clinical testing. Allele origin: unknown.

ARUP Laboratories, Molecular Genetics and Genomics, ARUP Laboratories
Classification: Uncertain significance. Last evaluated: 2017-05-08. Review status: criteria provided, single submitter. Criteria: ARUP Molecular Germline Variant Investigation Process. Collection method: clinical testing. Allele origin: germline.